The following is an entry in ClinVar:

ClinVar aggregate classification (germline): Uncertain significance (1 of 4 stars; one submission).

Conditions:
Immunodeficiency 132A. Also called: Herpes simplex encephalitis, susceptibility to, 3. Identifiers: Orphanet 1930, MedGen C3553868, MONDO:0013920, OMIM 614849.

Allele frequency attached by ClinVar (database versions not stated): gnomAD exomes 0.00001; ExAC 0.00003.
gnomAD v4.1: 9 of 1,611,974 alleles (0.00056%); highest among the groups gnomAD compares: Middle Eastern, 0.038%; no homozygotes.

Submission:

Labcorp Genetics (formerly Invitae), Labcorp
Classification: Uncertain significance for Immunodeficiency 132A. Last evaluated: 2022-09-19. Review status: criteria provided, single submitter. Criteria: Invitae Variant Classification Sherloc (09022015). Collection method: clinical testing. Allele origin: germline.
Comment: In summary, the available evidence is currently insufficient to determine the role of this variant in disease. Therefore, it has been classified as a Variant of Uncertain Significance. Algorithms developed to predict the effect of missense changes on protein structure and function are either unavailable or do not agree on the potential impact of this missense change (SIFT: "Deleterious"; PolyPhen-2: "Benign"; Align-GVGD: "Class C0"). This variant has not been reported in the literature in individuals affected with TRAF3-related conditions. This variant is present in population databases (rs775270353, gnomAD 0.004%). This sequence change replaces leucine, which is neutral and non-polar, with valine, which is neutral and non-polar, at codon 213 of the TRAF3 protein (p.Leu213Val).

NM_145725.3(TRAF3):c.637C>G (p.Leu213Val)

Genes: TRAF3 (TNF receptor associated factor 3; plus strand), LOC126862065 (BRD4-independent group 4 enhancer GRCh37_chr14:103352003-103353202; plus strand). Cytogenetic location: 14q32.32.
Variant type: single nucleotide variant.
Coding change: c.637C>G on transcript NM_145725.3 (MANE Select); coding-DNA position 637, C replaced by G.
Protein change: p.Leu213Val; replaces leucine 213 with valine.
Molecular consequence: missense variant. On other transcripts: intron variant (2).
Genome position (GRCh38, 1-based): chr14:102,886,255, C>G. VCF-style: chr14-102886255-C-G. GRCh37 (hg19) VCF-style: chr14-103352592-C-G.
Other names: c.637C>G, p.Leu213Val (NM_001385142.1, NM_003300.4, NM_145726.3); c.571-3305C>G (NM_001385143.1); c.570+9730C>G (NM_001199427.2); short protein forms L213V.
Identifiers: ClinVar variation 1981462 (VCV001981462.4), dbSNP rs775270353, ClinGen allele CA7359327.